The following is an entry in ClinVar:

ClinVar aggregate classification (germline): Uncertain significance. Review status: criteria provided, multiple submitters, no conflicts (2 of 4 stars). 2 submissions from 2 submitters: Uncertain significance (2). Last evaluated 2024-11-28.

Conditions:
Hereditary cancer-predisposing syndrome. Also called: Hereditary Cancer Syndrome; Neoplastic Syndromes, Hereditary; Tumor predisposition; Hereditary neoplastic syndrome. Identifiers: Orphanet 140162, MedGen C0027672, MeSH D009386, MONDO:0015356.

Submissions (2):

Ambry Genetics
Classification: Uncertain significance for Hereditary cancer-predisposing syndrome. Last evaluated: 2024-11-28. Review status: criteria provided, single submitter. Criteria: Ambry Variant Classification Scheme 2023. Collection method: clinical testing. Allele origin: germline.
Comment: The p.L662P variant (also known as c.1985T>C), located in coding exon 10 of the BARD1 gene, results from a T to C substitution at nucleotide position 1985. The leucine at codon 662 is replaced by proline, an amino acid with similar properties. This amino acid position is conserved. In addition, this alteration is predicted to be deleterious by in silico analysis. Based on the available evidence, the clinical significance of this variant remains unclear.

Color Diagnostics, LLC DBA Color Health
Classification: Uncertain significance for Hereditary cancer-predisposing syndrome. Last evaluated: 2023-12-05. Review status: criteria provided, single submitter. Criteria: ACMG Guidelines, 2015. Collection method: clinical testing. Allele origin: germline.
Comment: This missense variant replaces leucine with proline at codon 662 of the BARD1 protein. Computational prediction suggests that this variant may not impact protein structure and function (internally defined REVEL score threshold <= 0.5, PMID: 27666373). To our knowledge, functional studies have not been reported for this variant. This variant has not been reported in individuals affected with BARD1-related disorders in the literature. This variant has not been identified in the general population by the Genome Aggregation Database (gnomAD). The available evidence is insufficient to determine the role of this variant in disease conclusively. Therefore, this variant is classified as a Variant of Uncertain Significance.

NM_000465.4(BARD1):c.1985T>C (p.Leu662Pro)

Gene: BARD1 (BRCA1 associated RING domain 1; minus strand). Cytogenetic location: 2q35.
Variant type: single nucleotide variant.
Coding change: c.1985T>C on transcript NM_000465.4 (MANE Select); coding-DNA position 1985, T replaced by C.
Protein change: p.Leu662Pro; replaces leucine 662 with proline.
Molecular consequence: missense variant. On other transcripts: non-coding transcript variant (3).
Genome position (GRCh38, 1-based): chr2:214,730,427, A>G on the plus strand (T>C on the coding strand, the complement: BARD1 is on the minus strand). VCF-style: chr2-214730427-A-G. GRCh37 (hg19) VCF-style: chr2-215595151-A-G.
Other names: c.1928T>C, p.Leu643Pro (NM_001282543.2); c.632T>C, p.Leu211Pro (NM_001282545.2); c.575T>C, p.Leu192Pro (NM_001282548.2); c.446T>C, p.Leu149Pro (NM_001282549.2); c.1985T>C (NM_000465.2); short protein forms L662P, L192P, L643P, L149P, L211P.
Identifiers: ClinVar variation 489662 (VCV000489662.7), dbSNP rs556775078, ClinGen allele CA350451112.